The following is an entry in ClinVar:

ClinVar aggregate classification (germline): Uncertain significance (1 of 4 stars; one submission).

Conditions:
Inborn genetic diseases. Identifiers: MedGen C0950123, MeSH D030342.

gnomAD v4.1: 1 of 1,578,240 alleles (0.000063%); highest among the groups gnomAD compares: Non-Finnish European, 0.000086%; no homozygotes.

Submission:

Ambry Genetics
Classification: Uncertain significance for Inborn genetic diseases. Last evaluated: 2025-09-12. Review status: criteria provided, single submitter. Criteria: Ambry Variant Classification Scheme 2023. Collection method: clinical testing. Allele origin: germline.
Comment: The p.W745R variant (also known as c.2233T>C), located in coding exon 25 of the FANCA gene, results from a T to C substitution at nucleotide position 2233. The tryptophan at codon 745 is replaced by arginine, an amino acid with dissimilar properties. This amino acid position is conserved. In addition, this alteration is predicted to be deleterious by in silico analysis. Based on the available evidence, the clinical significance of this variant remains unclear.

NM_000135.4(FANCA):c.2233T>C (p.Trp745Arg)

Gene: FANCA (FA complementation group A; minus strand). Cytogenetic location: 16q24.3.
Variant type: single nucleotide variant.
Coding change: c.2233T>C on transcript NM_000135.4 (MANE Select); coding-DNA position 2233, T replaced by C.
Protein change: p.Trp745Arg; replaces tryptophan 745 with arginine.
Molecular consequence: missense variant.
Genome position (GRCh38, 1-based): chr16:89,770,249, A>G on the plus strand (T>C on the coding strand, the complement: FANCA is on the minus strand). VCF-style: chr16-89770249-A-G. GRCh37 (hg19) VCF-style: chr16-89836657-A-G.
Other names: c.2233T>C, p.Trp745Arg (NM_001286167.3); short protein forms W745R.
Identifiers: ClinVar variation 4254353 (VCV004254353.1).